The following is an entry in ClinVar:

ClinVar aggregate classification (germline): Benign/Likely benign. Review status: criteria provided, multiple submitters, no conflicts (2 of 4 stars). 17 submissions from 17 submitters: Benign (5); Likely benign (10). 2 of the submissions do not count toward it. Last evaluated 2026-02-03.

Conditions:
Hereditary cancer-predisposing syndrome. Also called: Neoplastic Syndromes, Hereditary; Hereditary Cancer Syndrome; Tumor predisposition; Hereditary neoplastic syndrome. Identifiers: Orphanet 140162, MedGen C0027672, MeSH D009386, MONDO:0015356.
POLD1-related polyposis and colorectal cancer syndrome (CRCS10). Also called: Colorectal cancer 10; Colorectal cancer, susceptibility to, 10; COLORECTAL CANCER, SUSCEPTIBILITY TO, ON CHROMOSOME 19q. Identifiers: Orphanet 220460, MedGen C2675481, MONDO:0012953, OMIM 612591.

Allele frequency attached by ClinVar (database versions not stated): ExAC 0.00022; TOPMed 0.00027; gnomAD 0.00028 and 0.00030; 1000 Genomes Project 30x 0.00031; 1000 Genomes Project 0.00040; ESP Exome Variant Server 0.00077; gnomAD exomes 0.00021.
gnomAD v4.1: 657 of 1,610,868 alleles (0.041%); highest among the groups gnomAD compares: Admixed American, 0.053%; 1 homozygote.

Submissions (17):

Labcorp Genetics (formerly Invitae), Labcorp
Classification: Likely benign for POLD1-related polyposis and colorectal cancer syndrome. Last evaluated: 2026-02-03. Review status: criteria provided, single submitter. Criteria: Invitae Variant Classification Sherloc (09022015). Collection method: clinical testing. Allele origin: germline.

Mayo Clinic Laboratories, Mayo Clinic
Classification: Likely benign. Last evaluated: 2025-10-11. Review status: criteria provided, single submitter. Criteria: ACMG Guidelines, 2015. Collection method: clinical testing. Allele origin: germline. Observed: 1 variant allele.
Comment: BP4, BP7

CeGaT Center for Human Genetics Tuebingen
Classification: Likely benign. Last evaluated: 2025-06-01. Review status: criteria provided, single submitter. Criteria: CeGaT Center For Human Genetics Tuebingen Variant Classification Criteria Version 2. Collection method: clinical testing. Allele origin: germline. Affected: yes. Observed: 3 variant alleles.
Comment: POLD1: BP4, BP7

Center for Genomic Medicine, Rigshospitalet, Copenhagen University Hospital
Classification: Likely benign. Last evaluated: 2025-03-04. Review status: criteria provided, single submitter. Criteria: ACMG Guidelines, 2015. Collection method: clinical testing. Allele origin: germline.

KCCC/NGS Laboratory, Kuwait Cancer Control Center
Classification: Benign for POLD1-related polyposis and colorectal cancer syndrome. Last evaluated: 2025-02-01. Review status: criteria provided, single submitter. Criteria: ACMG Guidelines, 2015. Collection method: clinical testing. Allele origin: germline. Affected: no.

Molecular Diagnostics Laboratory, Catalan Institute of Oncology
Classification: Benign for Hereditary cancer-predisposing syndrome. Last evaluated: 2024-12-01. Review status: criteria provided, single submitter. Criteria: Submitter's publication. Collection method: clinical testing. Allele origin: germline.
Comment: BA1, BP4, BP7 c.714G>A, located in exon 6 of the POLD1 gene, is predicted to result in no amino acid change, p.(Thr238=) (BP7). This variant is found in 56/264174 alleles at a frequency of 0.02% in the gnomAD v2.1.1 database, non-cancer dataset (BA1). The SpliceAI algorithm predicts no significant impact on splicing (BP4). To our knowledge, neither relevant clinical data nor well-established functional studies have been reported for this variant. This variant has been reported in the ClinVar database (9x benign, 3x likely benign) and in LOVD (2x likely benign). Based on currently available information, the variant c.714G>A should be considered a likely benign variant, according to ACMG/AMP classification guidelines.

Blueprint Genetics
Classification: Likely benign. Last evaluated: 2024-10-17. Review status: criteria provided, single submitter. Criteria: ACMG Guidelines, 2015. Collection method: clinical testing. Allele origin: germline.

Women's Health and Genetics/Laboratory Corporation of America, LabCorp
Classification: Benign. Last evaluated: 2023-02-21. Review status: criteria provided, single submitter. Criteria: LabCorp Variant Classification Summary - May 2015. Collection method: clinical testing. Allele origin: germline.

ARUP Laboratories, Molecular Genetics and Genomics, ARUP Laboratories
Classification: Likely benign. Last evaluated: 2022-09-12. Review status: criteria provided, single submitter. Criteria: ARUP Molecular Germline Variant Investigation Process 2021. Collection method: clinical testing. Allele origin: germline.

GeneDx
Classification: Likely benign. Last evaluated: 2021-09-20. Review status: criteria provided, single submitter. Criteria: GeneDx Variant Classification Process June 2021. Collection method: clinical testing. Allele origin: germline. Affected: yes.

Sema4
Classification: Benign for Hereditary cancer-predisposing syndrome. Last evaluated: 2021-03-24. Review status: criteria provided, single submitter. Criteria: Sema4 Curation Guidelines. Collection method: curation. Allele origin: germline.

Mendelics
Classification: Likely benign for POLD1-related polyposis and colorectal cancer syndrome. Last evaluated: 2019-05-28. Review status: criteria provided, single submitter. Criteria: Mendelics Assertion Criteria 2017. Collection method: clinical testing. Allele origin: unknown.

Quest Diagnostics Nichols Institute San Juan Capistrano
Classification: Benign. Last evaluated: 2018-06-21. Review status: criteria provided, single submitter. Criteria: Quest Diagnostics criteria. Collection method: clinical testing. Allele origin: unknown.

Genetic Services Laboratory, University of Chicago
Classification: Likely benign. Last evaluated: 2018-02-28. Review status: criteria provided, single submitter. Criteria: ACMG Guidelines, 2015. Collection method: clinical testing. Allele origin: germline. Affected: no.

Ambry Genetics
Classification: Likely benign for Hereditary cancer-predisposing syndrome. Last evaluated: 2015-07-07. Review status: criteria provided, single submitter. Criteria: Ambry Variant Classification Scheme 2023. Collection method: clinical testing. Allele origin: germline.

Clinical Genetics, Academic Medical Center
Classification: Likely benign. Review status: no assertion criteria provided. Collection method: clinical testing. Allele origin: germline. Affected: yes. Study: VKGL Data-share Consensus. Not counted in ClinVar's aggregate classification.

Genome Diagnostics Laboratory, University Medical Center Utrecht
Classification: Likely benign. Review status: no assertion criteria provided. Collection method: clinical testing. Allele origin: germline. Affected: yes. Study: VKGL Data-share Consensus. Not counted in ClinVar's aggregate classification.

NM_002691.4(POLD1):c.714G>A (p.Thr238=)

Gene: POLD1 (DNA polymerase delta 1, catalytic subunit; plus strand). Cytogenetic location: 19q13.33.
Variant type: single nucleotide variant.
Coding change: c.714G>A on transcript NM_002691.4 (MANE Select); coding-DNA position 714, G replaced by A.
Protein change: p.Thr238=; no amino-acid change (threonine 238 retained).
Molecular consequence: synonymous variant. On other transcripts: non-coding transcript variant (1).
Genome position (GRCh38, 1-based): chr19:50,402,329, G>A. VCF-style: chr19-50402329-G-A. GRCh37 (hg19) VCF-style: chr19-50905586-G-A.
Other names: p.Thr238=; c.714G>A, p.Thr238= (NM_001256849.1, NM_001308632.1).
Identifiers: ClinVar variation 220847 (VCV000220847.78), dbSNP rs149096523, ClinGen allele CA348105.